The following is an entry in ClinVar:

NM_001173990.3(TMEM216):c.222del (p.Phe76fs)

Gene: TMEM216 (transmembrane protein 216; plus strand). Cytogenetic location: 11q12.2.
Variant type: Deletion.
Coding change: c.222del on transcript NM_001173990.3 (MANE Select); coding-DNA position 222, one base deleted (G; older notation c.222delG).
Protein change: p.Phe76fs; shifts the reading frame from phenylalanine 76.
Molecular consequence: frameshift variant.
Genome position (GRCh38, 1-based): chr11:61,393,969, G deleted. VCF-style (leftmost placement, unchanged base first): chr11-61393968-TG-T. GRCh37 (hg19) VCF-style: chr11-61161440-TG-T.
Other names: c.222del, p.Phe76fs (NM_001173991.3); c.39del, p.Phe15fs (NM_001330285.2, NM_016499.6); short protein forms F76fs, F15fs.
Identifiers: ClinVar variation 371759 (VCV000371759.9), dbSNP rs1057517512, ClinGen allele CA16041471.

ClinVar aggregate classification (germline): Likely pathogenic. Review status: criteria provided, multiple submitters, no conflicts (2 of 4 stars). 6 submissions from 5 submitters: Likely pathogenic (4). 2 of the submissions do not count toward it. Last evaluated 2024-09-30.

Conditions:
Joubert syndrome 2 (JBTS2). Also called: CEREBELLOOCULORENAL SYNDROME 2. Identifiers: Orphanet 2318, MedGen C1842577, MONDO:0011963, OMIM 608091.
Meckel syndrome, type 2 (MKS2). Also called: MECKEL-GRUBER SYNDROME, TYPE 2; MKS2-Related Meckel Syndrome. Identifiers: Orphanet 564, MedGen C1864148, MONDO:0011296, OMIM 603194.
TMEM216-related disorder. Also called: TMEM216-related condition; TMEM216-related disorders.

Allele frequency attached by ClinVar (database versions not stated): gnomAD exomes below 0.00001 and 0.00001.

Submissions (6):

Natera, Inc.
Classification: Likely pathogenic for Joubert syndrome type 2. Last evaluated: 2024-09-30. Review status: criteria provided, single submitter. Criteria: Natera Variant Classification Schema (03/2026). Collection method: clinical testing. Allele origin: germline.
Comment: The c.222delG variant in TMEM216 is a frameshift variant predicted to shift the reading frame beginning at codon 76 and leads to a stop codon 20 codons downstream. This variant is expected to result in nonsense mediated decay, truncation, or a dysfunctional protein product. This variant is rare in the general population with a frequency below the threshold expected for the associated phenotype(s). Given the available evidence, this variant is classified as Likely Pathogenic.

Fulgent Genetics
Classification: Likely pathogenic for Meckel syndrome, type 2; Joubert syndrome 2. Last evaluated: 2024-01-10. Review status: criteria provided, single submitter. Criteria: ACMG Guidelines, 2015. Collection method: clinical testing. Allele origin: germline.

Revvity Omics, Revvity
Classification: Likely pathogenic. Last evaluated: 2022-08-08. Review status: criteria provided, single submitter. Criteria: ACMG Guidelines, 2015. Collection method: clinical testing. Allele origin: germline.

Blueprint Genetics
Classification: Likely pathogenic for TMEM216-related disorders. Last evaluated: 2018-01-26. Review status: criteria provided, single submitter. Criteria: ACMG Guidelines, 2015. Collection method: clinical testing. Allele origin: germline. Affected: yes. Observed: 2 variant alleles.

Counsyl
Classification: Likely pathogenic for Meckel syndrome, type 2. Last evaluated: 2016-07-21. Review status: no assertion criteria provided. Collection method: clinical testing. Allele origin: unknown. Not counted in ClinVar's aggregate classification.

Counsyl
Classification: Likely pathogenic for Joubert syndrome 2. Last evaluated: 2016-07-21. Review status: no assertion criteria provided. Collection method: clinical testing. Allele origin: unknown. Not counted in ClinVar's aggregate classification.